The following is an entry in ClinVar:

ClinVar aggregate classification (germline): Uncertain significance. Review status: criteria provided, multiple submitters, no conflicts (2 of 4 stars). 2 submissions from 2 submitters: Uncertain significance (2). Last evaluated 2025-04-16.

Conditions:
Nephronophthisis 14 (NPHP14). Identifiers: Orphanet 2318, MedGen C3539071, MONDO:0013916, OMIM 614844.

Allele frequency attached by ClinVar (database versions not stated): gnomAD exomes below 0.00001; TOPMed 0.00003.
gnomAD v4.1: 4 of 1,613,962 alleles (0.00025%); highest among the groups gnomAD compares: Admixed American, 0.0033%; no homozygotes.

Submissions (2):

Labcorp Genetics (formerly Invitae), Labcorp
Classification: Uncertain significance for Nephronophthisis 14. Last evaluated: 2025-04-16. Review status: criteria provided, single submitter. Criteria: Invitae Variant Classification Sherloc (09022015). Collection method: clinical testing. Allele origin: germline.
Comment: This sequence change replaces leucine, which is neutral and non-polar, with proline, which is neutral and non-polar, at codon 712 of the ZNF423 protein (p.Leu712Pro). This variant is not present in population databases (gnomAD no frequency). This variant has not been reported in the literature in individuals affected with ZNF423-related conditions. ClinVar contains an entry for this variant (Variation ID: 949527). Invitae Evidence Modeling of protein sequence and biophysical properties (such as structural, functional, and spatial information, amino acid conservation, physicochemical variation, residue mobility, and thermodynamic stability) has been performed for this missense variant. However, the output from this modeling did not meet the statistical confidence thresholds required to predict the impact of this variant on ZNF423 protein function. In summary, the available evidence is currently insufficient to determine the role of this variant in disease. Therefore, it has been classified as a Variant of Uncertain Significance.

3billion
Classification: Uncertain significance for Nephronophthisis 14. Last evaluated: 2022-01-03. Review status: criteria provided, single submitter. Criteria: ACMG Guidelines, 2015. Collection method: clinical testing. Allele origin: germline. Affected: yes. Observed: 1 heterozygote.
Comment: The variant is not observed in the gnomAD v2.1.1 dataset (PM2_M). In silico tool predictions suggest damaging effect of the variant on gene or gene product (REVEL: 0.61, PP3_P). A missense variant is a common mechanism associated with Nephronophthisis 14 (PP2_P). Therefore, this variant is classified as uncertain significance according to the recommendation of ACMG/AMP guideline.

NM_001379286.1(ZNF423):c.2159T>C (p.Leu720Pro)

Gene: ZNF423 (zinc finger protein 423; minus strand). Cytogenetic location: 16q12.1.
Variant type: single nucleotide variant.
Coding change: c.2159T>C on transcript NM_001379286.1 (MANE Select); coding-DNA position 2159, T replaced by C.
Protein change: p.Leu720Pro; replaces leucine 720 with proline.
Molecular consequence: missense variant.
Genome position (GRCh38, 1-based): chr16:49,637,017, A>G on the plus strand (T>C on the coding strand, the complement: ZNF423 is on the minus strand). VCF-style: chr16-49637017-A-G. GRCh37 (hg19) VCF-style: chr16-49670928-A-G.
Other names: c.1955T>C, p.Leu652Pro (NM_001271620.2); c.1784T>C, p.Leu595Pro (NM_001330533.2); c.2135T>C, p.Leu712Pro (NM_015069.5); short protein forms L720P, L652P, L712P, L595P.
Identifiers: ClinVar variation 949527 (VCV000949527.7), dbSNP rs762688948, ClinGen allele CA395843983.